The following is an entry in ClinVar:

ClinVar aggregate classification (germline): Uncertain significance. Review status: criteria provided, single submitter (1 of 4 stars). 2 submissions from 2 submitters: Uncertain significance (1). 1 of the submissions does not count toward it. Last evaluated 2022-04-12.

Conditions:
ADAMTSL1-related disorder. Also called: ADAMTSL1-related condition.

Allele frequency attached by ClinVar (database versions not stated): ExAC 0.00027; ESP Exome Variant Server 0.00077; gnomAD 0.00089; 1000 Genomes Project 30x 0.00094; TOPMed 0.00095; 1000 Genomes Project 0.00100.
gnomAD v4.1: 334 of 1,613,652 alleles (0.021%); highest among the groups gnomAD compares: African/African-American, 0.31%; 2 homozygotes.

Submissions (2):

Ambry Genetics
Classification: Uncertain significance. Last evaluated: 2022-04-12. Review status: criteria provided, single submitter. Criteria: Ambry Variant Classification Scheme 2023. Collection method: clinical testing. Allele origin: germline.

PreventionGenetics, part of Exact Sciences
Classification: Likely benign for ADAMTSL1-related condition. Last evaluated: 2023-04-05. Review status: no assertion criteria provided. Collection method: clinical testing. Allele origin: germline. Not counted in ClinVar's aggregate classification.
Comment: This variant is classified as likely benign based on ACMG/AMP sequence variant interpretation guidelines (Richards et al. 2015 PMID: 25741868, with internal and published modifications).

NM_001040272.6(ADAMTSL1):c.992G>A (p.Arg331His)

Gene: ADAMTSL1 (ADAMTS like 1; plus strand). Cytogenetic location: 9p22.1.
Variant type: single nucleotide variant.
Coding change: c.992G>A on transcript NM_001040272.6 (MANE Select); coding-DNA position 992, G replaced by A.
Protein change: p.Arg331His; replaces arginine 331 with histidine.
Molecular consequence: missense variant.
Genome position (GRCh38, 1-based): chr9:18,661,980, G>A. VCF-style: chr9-18661980-G-A. GRCh37 (hg19) VCF-style: chr9-18661978-G-A.
Other names: c.992G>A, p.Arg331His (NM_052866.5); short protein forms R331H.
Identifiers: ClinVar variation 2212429 (VCV002212429.4), dbSNP rs142112150, ClinGen allele CA4998912.
Genomic context (GRCh38, chr9:18,661,980, plus strand): 5'-GGTTTGATACTACAGGTTATCAGCTGACATCGGCTGAGTGCTACGATCTGAGGAGCAACC[G>A]TGTGGTTGCTGACCAATACTGTCACTATTACCCAGAGAACATCAAACCCAAACCCAAGCT-3'
Protein context (NP_001035362.3, residues 321-341): SAECYDLRSN[Arg331His]VVADQYCHYY